The following is an entry in ClinVar:

NM_005546.4(ITK):c.1074C>G (p.Ile358Met)

Gene: ITK (IL2 inducible T cell kinase; plus strand). Cytogenetic location: 5q33.3.
Variant type: single nucleotide variant.
Coding change: c.1074C>G on transcript NM_005546.4 (MANE Select); coding-DNA position 1074, C replaced by G.
Protein change: p.Ile358Met; replaces isoleucine 358 with methionine.
Molecular consequence: missense variant.
Genome position (GRCh38, 1-based): chr5:157,243,636, C>G. VCF-style: chr5-157243636-C-G. GRCh37 (hg19) VCF-style: chr5-156670646-C-G.
Other names: short protein forms I358M.
Identifiers: ClinVar variation 841026 (VCV000841026.9), dbSNP rs142689933, ClinGen allele CA361959730.

ClinVar aggregate classification (germline): Uncertain significance (1 of 4 stars; one submission).

Conditions:
Lymphoproliferative syndrome 1 (LPFS1). Identifiers: Orphanet 238505, Orphanet 538963, MedGen C3552634, MONDO:0013081, OMIM 613011.

Allele frequency attached by ClinVar (database versions not stated): TOPMed 0.00001.
gnomAD v4.1: 3 of 1,612,420 alleles (0.00019%); highest among the groups gnomAD compares: Non-Finnish European, 0.00025%; no homozygotes.

Submission:

Labcorp Genetics (formerly Invitae), Labcorp
Classification: Uncertain significance for Lymphoproliferative syndrome 1. Last evaluated: 2024-10-07. Review status: criteria provided, single submitter. Criteria: Invitae Variant Classification Sherloc (09022015). Collection method: clinical testing. Allele origin: germline.
Comment: This sequence change replaces isoleucine, which is neutral and non-polar, with methionine, which is neutral and non-polar, at codon 358 of the ITK protein (p.Ile358Met). This variant is not present in population databases (gnomAD no frequency). This variant has not been reported in the literature in individuals affected with ITK-related conditions. ClinVar contains an entry for this variant (Variation ID: 841026). Invitae Evidence Modeling of protein sequence and biophysical properties (such as structural, functional, and spatial information, amino acid conservation, physicochemical variation, residue mobility, and thermodynamic stability) indicates that this missense variant is expected to disrupt ITK protein function with a positive predictive value of 80%. In summary, the available evidence is currently insufficient to determine the role of this variant in disease. Therefore, it has been classified as a Variant of Uncertain Significance.